The following is an entry in ClinVar:

ClinVar aggregate classification (germline): Pathogenic (1 of 4 stars; one submission).

Conditions:
Sandhoff disease. Also called: GM2-GANGLIOSIDOSIS, TYPE II; HEXOSAMINIDASES A AND B DEFICIENCY; Beta-hexosaminidase-beta-subunit deficiency; GM2 gangliosidosis, type 2; Total hexosaminidase deficiency; Sandhoff-Jatzkewitz-Pilz disease. Identifiers: Orphanet 796, MedGen C0036161, MONDO:0010006, OMIM 268800.

Submission:

Systems Biology Laboratory, Department of Convergent Bioscience and Informatics, Chungnam National University
Classification: Pathogenic for Sandhoff disease. Last evaluated: 2026-10-01. Review status: criteria provided, single submitter. Criteria: ACMG Guidelines, 2015. Collection method: research. Allele origin: maternal. Inheritance: Autosomal recessive inheritance. Affected: yes. Observed: 2 variant alleles, 2 compound heterozygotes. Clinical features observed: Microcephaly (HP:0000252), Seizure (HP:0001250), Spasticity (HP:0001257), Global developmental delay (HP:0001263), Global brain atrophy (HP:0002283).
Comment: PVS1 (out-of-frame deletion of exons 4-5, 158 nt, predicted to cause frameshift and nonsense-mediated decay in a loss-of-function disease gene, 8) + PM3 (in trans with the likely pathogenic deep-intronic variant c.771+985G>A, phase confirmed, 2) + PM2_Supporting (no identical event in gnomAD-SV v4, 1) = 11 points.

NM_000521.4(HEXB):c.512-1201_670-2853del

Gene: HEXB (hexosaminidase subunit beta; plus strand). Cytogenetic location: 5q13.3.
Variant type: Deletion.
Coding change: c.512-1201_670-2853del on transcript NM_000521.4 (MANE Select); 1201 bases into the intron before coding-DNA position 512 through 2853 bases into the intron before coding-DNA position 670, 6,875 bases deleted.
Molecular consequence: splice acceptor variant, splice donor variant.
Genome position (GRCh38, 1-based): chr5:74,695,492-74,702,366, 6,875 bases deleted. GRCh37 (hg19): chr5:73,991,317-73,998,191.
Other names: NM_000521.4:c.512-1201_670-2853del; c.-164-1201_-6-2853del (NM_001292004.2).
Identifiers: ClinVar variation 5042739 (VCV005042739.1).